The following is an entry in ClinVar:

NM_000349.3(STAR):c.544C>T (p.Arg182Cys)

Gene: STAR (steroidogenic acute regulatory protein; minus strand). Cytogenetic location: 8p11.23.
Variant type: single nucleotide variant.
Coding change: c.544C>T on transcript NM_000349.3 (MANE Select); coding-DNA position 544, C replaced by T.
Protein change: p.Arg182Cys; replaces arginine 182 with cysteine.
Molecular consequence: missense variant.
Genome position (GRCh38, 1-based): chr8:38,146,069, G>A on the plus strand (C>T on the coding strand, the complement: STAR is on the minus strand). VCF-style: chr8-38146069-G-A. GRCh37 (hg19) VCF-style: chr8-38003587-G-A.
Other names: short protein forms R182C.
Identifiers: ClinVar variation 550550 (VCV000550550.23), dbSNP rs369232492, ClinGen allele CA4715217.

ClinVar aggregate classification (germline): Pathogenic. Review status: criteria provided, multiple submitters, no conflicts (2 of 4 stars). 9 submissions from 9 submitters: Pathogenic (8). 1 of the submissions does not count toward it. Last evaluated 2025-06-12.

Conditions:
STAR-related disorder. Also called: STAR-related condition.
Congenital lipoid adrenal hyperplasia due to STAR deficency. Also called: Congenital Lipoid Adrenal Hyperplasia; ADRENAL HYPERPLASIA I; Cholesterol monooxygenase (side-chain cleaving) deficiency; Lipoid adrenal hyperplasia. Identifiers: Orphanet 418, Orphanet 90790, MedGen C0342474, MONDO:0008725, OMIM 201710.

Allele frequency attached by ClinVar (database versions not stated): TOPMed 0.00002; ESP Exome Variant Server 0.00008.
gnomAD v4.1: 33 of 1,614,098 alleles (0.002%); highest among the groups gnomAD compares: Non-Finnish European, 0.0025%; no homozygotes.

Submissions (9):

3billion
Classification: Pathogenic for Congenital lipoid adrenal hyperplasia due to STAR deficency. Last evaluated: 2025-06-12. Review status: criteria provided, single submitter. Criteria: ACMG Guidelines, 2015. Collection method: clinical testing. Allele origin: germline. Affected: yes.
Comment: The variant is observed at an extremely low frequency in the gnomAD v4.1.0 dataset (total allele frequency: 0.002%). Predicted Consequence/Location: Missense variant. The majority of the known disease-causing variants of this gene are variants expected to result in premature termination of the protein. In silico tool predictions suggest damaging effect of the variant on gene or gene product [REVEL: 0.91 (>=0.6, sensitivity 0.68 and specificity 0.92); 3Cnet: 0.99 (> 0.75, sensitivity 0.96 and precision 0.92)]. The same nucleotide change resulting in the same amino acid change has been previously reported as pathogenic/likely pathogenic with strong evidence (ClinVar ID: VCV000550550 /PMID: 16118340 /3billion dataset). Different missense changes at the same codon (p.Arg182His, p.Arg182Leu, p.Arg182Ser) have been reported as pathogenic/likely pathogenic with strong evidence (ClinVar ID: VCV000008988, VCV000008995, VCV003251758 /PMID: 11509019, 8948562). Therefore, this variant is classified as Pathogenic according to the recommendation of ACMG/AMP guideline.

Women's Health and Genetics/Laboratory Corporation of America, LabCorp
Classification: Pathogenic for Congenital lipoid adrenal hyperplasia due to STAR deficency. Last evaluated: 2025-06-11. Review status: criteria provided, single submitter. Criteria: LabCorp Variant Classification Summary - May 2015. Collection method: clinical testing. Allele origin: germline.
Comment: Variant summary: STAR c.544C>T (p.Arg182Cys) results in a non-conservative amino acid change in the encoded protein sequence. Algorithms developed to predict the effect of missense changes on protein structure and function all suggest that this variant is likely to be disruptive. The variant allele was found at a frequency of 1.2e-05 in 251304 control chromosomes. c.544C>T has been observed in individual(s) affected with Congenital Lipoid Adrenal Hyperplasia (Bhangoo_2005, Kang_2017). These data indicate that the variant is likely to be associated with disease. Different variants affecting the same codon have been classified as likely pathogenic/pathogenic by our lab (Arg182Ser, ARg182His, Arg182Leu), supporting the critical relevance of codon 182 to STAR protein function. To our knowledge, no experimental evidence demonstrating an impact on protein function has been reported. The following publications have been ascertained in the context of this evaluation (PMID: 16118340, 28467518). ClinVar contains an entry for this variant (Variation ID: 550550). Based on the evidence outlined above, the variant was classified as pathogenic.

Natera, Inc.
Classification: Pathogenic for Congenital lipoid adrenal hyperplasia. Last evaluated: 2025-03-26. Review status: criteria provided, single submitter. Criteria: Natera Variant Classification Schema (03/2026). Collection method: clinical testing. Allele origin: germline.
Comment: The c.544C>T variant in STAR is a missense variant predicted to cause substitution of arginine to cysteine at amino acid 182. This variant is rare in the general population with a frequency below the threshold expected for the associated phenotype(s). This variant has been observed in one or more individuals affected with the associated recessive disease, as either homozygous or compound heterozygous with a second variant (PMID: 24953586, 16118340, 24790358). A different variant at the same position has been determined to be Pathogenic or Likely Pathogenic. Computational prediction algorithms indicate this variant is likely to affect gene or protein function. Given the available evidence, this variant is classified as Pathogenic.

Genomic Medicine Center of Excellence, King Faisal Specialist Hospital and Research Centre
Classification: Pathogenic for Congenital lipoid adrenal hyperplasia due to STAR deficency. Last evaluated: 2024-04-04. Review status: criteria provided, single submitter. Criteria: ACMG Guidelines, 2015. Collection method: clinical testing. Allele origin: germline.

Labcorp Genetics (formerly Invitae), Labcorp
Classification: Pathogenic. Last evaluated: 2024-02-23. Review status: criteria provided, single submitter. Criteria: Invitae Variant Classification Sherloc (09022015). Collection method: clinical testing. Allele origin: germline.
Comment: This sequence change replaces arginine, which is basic and polar, with cysteine, which is neutral and slightly polar, at codon 182 of the STAR protein (p.Arg182Cys). This variant is present in population databases (rs369232492, gnomAD 0.006%). This missense change has been observed in individual(s) with lipoid adrenal hyperplasia (PMID: 16118340, 24790358, 24904850). In at least one individual the data is consistent with being in trans (on the opposite chromosome) from a pathogenic variant. ClinVar contains an entry for this variant (Variation ID: 550550). Advanced modeling of protein sequence and biophysical properties (such as structural, functional, and spatial information, amino acid conservation, physicochemical variation, residue mobility, and thermodynamic stability) performed at Invitae indicates that this missense variant is expected to disrupt STAR protein function with a positive predictive value of 80%. This variant disrupts the p.Arg182 amino acid residue in STAR. Other variant(s) that disrupt this residue have been determined to be pathogenic (PMID: 11509019, 15546900). This suggests that this residue is clinically significant, and that variants that disrupt this residue are likely to be disease-causing. For these reasons, this variant has been classified as Pathogenic.

Fulgent Genetics
Classification: Pathogenic for Congenital lipoid adrenal hyperplasia due to STAR deficency. Last evaluated: 2024-01-29. Review status: criteria provided, single submitter. Criteria: ACMG Guidelines, 2015. Collection method: clinical testing. Allele origin: germline.

Neuberg Centre For Genomic Medicine, NCGM
Classification: Pathogenic for Congenital lipoid adrenal hyperplasia due to STAR deficency. Last evaluated: 2023-06-02. Review status: criteria provided, single submitter. Criteria: ACMG Guidelines, 2015. Collection method: clinical testing. Allele origin: germline. Inheritance: Autosomal recessive inheritance. Affected: yes.
Comment: The observed missense c.544C>T(p.Arg182Cys) variant in STAR gene has been reported previously in homoygous and compound heterozygous state in multiple individuals affected with lipoid adrenal hyperplasia (Park HW, et al., 2013; Ishizu K, et al., 2008; Joshi R, et al., 2014). The p.Arg182Cys variant has been reported with allele frequency of 0.001% in gnomAD Exomes. This variant has been reported to the ClinVar database as Likely Pathogenic / Pathogenic (multiple submissions). The amino acid change p.Arg182Cys in STAR is predicted as conserved by GERP++ and PhyloP across 100 vertebrates. The amino acid Arg at position 182 is changed to a Cys changing protein sequence and it might alter its composition and physico-chemical properties. Another missense variant c.545G>A (p.Arg182His) on the same residue has been reported previously to be Pathogenic (Chen X, et al., 2005), suggesting that this residue might be of clinical significance. For these reasons, this variant has been classified as Pathogenic. In absence of another reportable variant in STAR gene, the molecular diagnosis is not confirmed.

Blueprint Genetics
Classification: Pathogenic for STAR-related disorders. Last evaluated: 2022-05-11. Review status: criteria provided, single submitter. Criteria: ACMG Guidelines, 2015. Collection method: clinical testing. Allele origin: germline. Affected: yes. Observed: 1 variant allele.

Counsyl
Classification: Likely pathogenic for Congenital lipoid adrenal hyperplasia due to STAR deficency. Last evaluated: 2017-01-31. Review status: no assertion criteria provided. Collection method: clinical testing. Allele origin: unknown. Not counted in ClinVar's aggregate classification.

Literature cited by the submitters: PubMed 16118340 (cited by 5 submitters); PubMed 11509019 (cited by 3billion and Labcorp Genetics (formerly Invitae), Labcorp); PubMed 28467518 (cited by Women's Health and Genetics/Laboratory Corporation of America, LabCorp); PubMed 24953586 (cited by Natera, Inc. and Counsyl); PubMed 24790358 (cited by 3 submitters); PubMed 24904850 (cited by Labcorp Genetics (formerly Invitae), Labcorp and Counsyl); PubMed 15546900 (cited by Labcorp Genetics (formerly Invitae), Labcorp).